The following is an entry in ClinVar:

NM_015047.3(EMC1):c.2264C>T (p.Thr755Ile)

Genes: EMC1 (ER membrane protein complex subunit 1; minus strand), EMC1-AS1 (EMC1 antisense RNA 1; plus strand). Cytogenetic location: 1p36.13.
Variant type: single nucleotide variant.
Coding change: c.2264C>T on transcript NM_015047.3 (MANE Select); coding-DNA position 2264, C replaced by T.
Protein change: p.Thr755Ile; replaces threonine 755 with isoleucine.
Molecular consequence: missense variant.
Genome position (GRCh38, 1-based): chr1:19,223,508, G>A on the plus strand (C>T on the coding strand, the complement: EMC1 is on the minus strand). VCF-style: chr1-19223508-G-A. GRCh37 (hg19) VCF-style: chr1-19550002-G-A.
Other names: c.2261C>T, p.Thr754Ile (NM_001271427.2, NM_001271428.2); c.2198C>T, p.Thr733Ile (NM_001271429.2); c.2273C>T, p.Thr758Ile (NM_001375820.1); c.2270C>T, p.Thr757Ile (NM_001375821.1); short protein forms T758I, T757I, T754I, T755I, T733I.
Identifiers: ClinVar variation 1443386 (VCV001443386.8), dbSNP rs200674851, ClinGen allele CA652333.

ClinVar aggregate classification (germline): Uncertain significance. Review status: criteria provided, single submitter (1 of 4 stars). 2 submissions from 2 submitters: Uncertain significance (1). 1 of the submissions does not count toward it. Last evaluated 2025-08-26.

Conditions:
Retinal dystrophy. Also called: Inherited retinal dystrophy. Identifiers: Orphanet 71862, MedGen C0854723, MeSH D058499, MONDO:0019118, HP:0000556.

Allele frequency attached by ClinVar (database versions not stated): ExAC 0.00001; gnomAD exomes 0.00002; TOPMed 0.00003; gnomAD 0.00004 and 0.00005; 1000 Genomes Project 30x 0.00016; 1000 Genomes Project 0.00020.

Submissions (2):

Labcorp Genetics (formerly Invitae), Labcorp
Classification: Uncertain significance. Last evaluated: 2025-08-26. Review status: criteria provided, single submitter. Criteria: Invitae Variant Classification Sherloc (09022015). Collection method: clinical testing. Allele origin: germline.
Comment: This sequence change replaces threonine, which is neutral and polar, with isoleucine, which is neutral and non-polar, at codon 755 of the EMC1 protein (p.Thr755Ile). This variant is present in population databases (rs200674851, gnomAD 0.005%). This variant has not been reported in the literature in individuals affected with EMC1-related conditions. ClinVar contains an entry for this variant (Variation ID: 1443386). Invitae Evidence Modeling of protein sequence and biophysical properties (such as structural, functional, and spatial information, amino acid conservation, physicochemical variation, residue mobility, and thermodynamic stability) indicates that this missense variant is not expected to disrupt EMC1 protein function with a negative predictive value of 80%. In summary, the available evidence is currently insufficient to determine the role of this variant in disease. Therefore, it has been classified as a Variant of Uncertain Significance.

Institute of Human Genetics, Univ. Regensburg, Univ. Regensburg
Classification: Uncertain significance for Retinal dystrophy. Last evaluated: 2023-01-01. Review status: no assertion criteria provided. Criteria: ACMG Guidelines, 2015. Collection method: clinical testing. Allele origin: germline. Affected: yes. Not counted in ClinVar's aggregate classification.